The following is an entry in ClinVar:

ClinVar aggregate classification (germline): Uncertain significance (1 of 4 stars; one submission).

Conditions:
Cardiovascular phenotype. Identifiers: MedGen CN230736.

gnomAD v4.1: 1 of 1,614,062 alleles (0.000062%); highest among the groups gnomAD compares: Admixed American, 0.0017%; no homozygotes.

Submission:

Ambry Genetics
Classification: Uncertain significance for Cardiovascular phenotype. Last evaluated: 2025-09-26. Review status: criteria provided, single submitter. Criteria: Ambry Variant Classification Scheme 2023. Collection method: clinical testing. Allele origin: germline.
Comment: The p.N18K variant (also known as c.54C>G), located in coding exon 2 of the PTPN11 gene, results from a C to G substitution at nucleotide position 54. The asparagine at codon 18 is replaced by lysine, an amino acid with similar properties. This amino acid position is conserved. In addition, this alteration is predicted to be tolerated by in silico analysis. Based on the available evidence, the clinical significance of this variant remains unclear.

NM_002834.5(PTPN11):c.54C>G (p.Asn18Lys)

Gene: PTPN11 (protein tyrosine phosphatase non-receptor type 11; plus strand). Cytogenetic location: 12q24.13.
Variant type: single nucleotide variant.
Coding change: c.54C>G on transcript NM_002834.5 (MANE Select); coding-DNA position 54, C replaced by G.
Protein change: p.Asn18Lys; replaces asparagine 18 with lysine.
Molecular consequence: missense variant.
Genome position (GRCh38, 1-based): chr12:112,446,315, C>G. VCF-style: chr12-112446315-C-G. GRCh37 (hg19) VCF-style: chr12-112884119-C-G.
Other names: c.54C>G, p.Asn18Lys (NM_001330437.2, NM_001374625.1, NM_080601.3); short protein forms N18K.
Identifiers: ClinVar variation 4614764 (VCV004614764.1).